The following is an entry in ClinVar:

NM_001379180.1(ESRRB):c.*1597C>A

Gene: ESRRB (estrogen related receptor beta; plus strand). Cytogenetic location: 14q24.3.
Variant type: single nucleotide variant.
Coding change: c.*1597C>A on transcript NM_001379180.1 (MANE Select); 1597 bases downstream of the stop codon, C replaced by A.
Molecular consequence: 3 prime UTR variant. On other transcripts: missense variant (1).
Genome position (GRCh38, 1-based): chr14:76,500,055, C>A. VCF-style: chr14-76500055-C-A. GRCh37 (hg19) VCF-style: chr14-76966398-C-A.
Other names: c.1489C>A, p.Pro497Thr (NM_004452.4); short protein forms P497T.
Identifiers: ClinVar variation 1465561 (VCV001465561.6), dbSNP rs762965573, ClinGen allele CA7281911.
Genomic context (GRCh38, chr14:76,500,055, plus strand): 5'-CCTTCTAGTCCAACCCCCCTCAATGAGAGAGGCAGGCAGATCTCACCCAGCACTAGGACA[C>A]CAGGAGGCCAGGTAACTTTCTGCAGCTTTTCCATAGAAGCCCTGGTCCCACCTCCTTGGC-3'

ClinVar aggregate classification (germline): Uncertain significance (1 of 4 stars; one submission).

Allele frequency attached by ClinVar (database versions not stated): gnomAD exomes 0.00003; ExAC 0.00004; gnomAD 0.00011 and 0.00010.
gnomAD v4.1: 24 of 1,551,002 alleles (0.0015%); highest among the groups gnomAD compares: Admixed American, 0.029%; no homozygotes.

Submission:

Labcorp Genetics (formerly Invitae), Labcorp
Classification: Uncertain significance. Last evaluated: 2025-03-31. Review status: criteria provided, single submitter. Criteria: Invitae Variant Classification Sherloc (09022015). Collection method: clinical testing. Allele origin: germline.
Comment: This sequence change replaces proline, which is neutral and non-polar, with threonine, which is neutral and polar, at codon 497 of the ESRRB protein (p.Pro497Thr). This variant is present in population databases (rs762965573, gnomAD 0.01%). This variant has not been reported in the literature in individuals affected with ESRRB-related conditions. ClinVar contains an entry for this variant (Variation ID: 1465561). An algorithm developed to predict the effect of missense changes on protein structure and function (PolyPhen-2) suggests that this variant is likely to be tolerated. In summary, the available evidence is currently insufficient to determine the role of this variant in disease. Therefore, it has been classified as a Variant of Uncertain Significance.